The following is an entry in ClinVar:

ClinVar aggregate classification (germline): Uncertain significance. Review status: criteria provided, multiple submitters, no conflicts (2 of 4 stars). 5 submissions from 5 submitters: Uncertain significance (5). Last evaluated 2025-09-25.

Conditions:
Inborn genetic diseases. Identifiers: MedGen C0950123, MeSH D030342.

Allele frequency attached by ClinVar (database versions not stated): gnomAD 0.00038 and 0.00037; 1000 Genomes Project 0.00040; ExAC 0.00009; 1000 Genomes Project 30x 0.00031; ESP Exome Variant Server 0.00023; gnomAD exomes 0.00002 and 0.00007; TOPMed 0.00031.
gnomAD v4.1: 90 of 1,613,058 alleles (0.0056%); highest among the groups gnomAD compares: African/African-American, 0.1%; no homozygotes.

Submissions (5):

Ambry Genetics
Classification: Uncertain significance for Inborn genetic diseases. Last evaluated: 2025-09-25. Review status: criteria provided, single submitter. Criteria: Ambry Variant Classification Scheme 2023. Collection method: clinical testing. Allele origin: germline.

Labcorp Genetics (formerly Invitae), Labcorp
Classification: Uncertain significance. Last evaluated: 2024-03-16. Review status: criteria provided, single submitter. Criteria: Invitae Variant Classification Sherloc (09022015). Collection method: clinical testing. Allele origin: germline.
Comment: This sequence change replaces glutamine, which is neutral and polar, with glutamic acid, which is acidic and polar, at codon 2482 of the HSPG2 protein (p.Gln2482Glu). This variant is present in population databases (rs140049357, gnomAD 0.09%). This variant has not been reported in the literature in individuals affected with HSPG2-related conditions. ClinVar contains an entry for this variant (Variation ID: 995694). An algorithm developed to predict the effect of missense changes on protein structure and function (PolyPhen-2) suggests that this variant is likely to be disruptive. In summary, the available evidence is currently insufficient to determine the role of this variant in disease. Therefore, it has been classified as a Variant of Uncertain Significance.

Athena Diagnostics
Classification: Uncertain significance. Last evaluated: 2022-11-28. Review status: criteria provided, single submitter. Criteria: Athena Diagnostics Criteria. Collection method: clinical testing. Allele origin: unknown.
Comment: Available data are insufficient to determine the clinical significance of the variant at this time. The frequency of this variant in the general population is higher than would generally be expected for pathogenic variants in this gene. Computational tools disagree on the variant's effect on normal protein function.

ARUP Laboratories, Molecular Genetics and Genomics, ARUP Laboratories
Classification: Uncertain significance. Last evaluated: 2020-03-12. Review status: criteria provided, single submitter. Criteria: ARUP Molecular Germline Variant Investigation Process. Collection method: clinical testing. Allele origin: germline.
Comment: The HSPG2 c.7444C>G; p.Gln2482Glu variant (rs140049357), to our knowledge, is not reported in the medical literature or gene-specific databases. This variant is found in the African population with an overall allele frequency of 0.10% (25/24702 alleles) in the Genome Aggregation Database. The glutamine at codon 2482 is weakly conserved, but computational analyses (SIFT: tolerated, PolyPhen-2: damaging) predict conflicting effects of this variant on protein structure/function. However, due to limited information, the clinical significance of the p.Gln2482Glu variant is uncertain at this time.

Revvity Omics, Revvity
Classification: Uncertain significance. Last evaluated: 2019-08-29. Review status: criteria provided, single submitter. Criteria: ACMG Guidelines, 2015. Collection method: clinical testing. Allele origin: germline.

NM_005529.7(HSPG2):c.7444C>G (p.Gln2482Glu)

Gene: HSPG2 (heparan sulfate proteoglycan 2; minus strand). Cytogenetic location: 1p36.12.
Variant type: single nucleotide variant.
Coding change: c.7444C>G on transcript NM_005529.7 (MANE Select); coding-DNA position 7444, C replaced by G.
Protein change: p.Gln2482Glu; replaces glutamine 2482 with glutamic acid.
Molecular consequence: missense variant.
Genome position (GRCh38, 1-based): chr1:21,850,043, G>C on the plus strand (C>G on the coding strand, the complement: HSPG2 is on the minus strand). VCF-style: chr1-21850043-G-C. GRCh37 (hg19) VCF-style: chr1-22176536-G-C.
Other names: c.7447C>G, p.Gln2483Glu (NM_001291860.2); c.7444C>G (NM_005529.6, NM_005529.5); short protein forms Q2482E, Q2483E.
Identifiers: ClinVar variation 995694 (VCV000995694.19), dbSNP rs140049357, ClinGen allele CA671186.